The following is an entry in ClinVar:

NM_000153.4(GALC):c.2003C>T (p.Thr668Ile)

Gene: GALC (galactosylceramidase; minus strand). Cytogenetic location: 14q31.3.
Variant type: single nucleotide variant.
Coding change: c.2003C>T on transcript NM_000153.4 (MANE Select); coding-DNA position 2003, C replaced by T.
Protein change: p.Thr668Ile; replaces threonine 668 with isoleucine.
Molecular consequence: missense variant.
Genome position (GRCh38, 1-based): chr14:87,934,787, G>A on the plus strand (C>T on the coding strand, the complement: GALC is on the minus strand). VCF-style: chr14-87934787-G-A. GRCh37 (hg19) VCF-style: chr14-88401131-G-A.
Other names: c.1934C>T, p.Thr645Ile (NM_001201401.2); c.1925C>T, p.Thr642Ile (NM_001201402.2); c.1835C>T, p.Thr612Ile (NM_001424071.1, NM_001424072.1); c.1655C>T, p.Thr552Ile (NM_001424074.1, NM_001424075.1); c.1370C>T, p.Thr457Ile (NM_001424076.1, NM_001424077.1); short protein forms T457I, T552I, T612I, T642I, T645I, T668I.
Identifiers: ClinVar variation 2582925 (VCV002582925.25), dbSNP rs759515663, ClinGen allele CA390745186.

ClinVar aggregate classification (germline): Likely pathogenic (1 of 4 stars; one submission).

Submission:

CeGaT Center for Human Genetics Tuebingen
Classification: Likely pathogenic. Last evaluated: 2026-07-01. Review status: criteria provided, single submitter. Criteria: CeGaT Center For Human Genetics Tuebingen Variant Classification Criteria Version 2. Collection method: clinical testing. Allele origin: germline. Affected: yes. Observed: 3 variant alleles.
Comment: GALC: PM2, PM3, PM5, PP4